The following is an entry in ClinVar:

NM_003235.5(TG):c.7572+2T>C

Genes: SLA (Src like adaptor; minus strand), TG (thyroglobulin; plus strand). Cytogenetic location: 8q24.22.
Variant type: single nucleotide variant.
Coding change: c.7572+2T>C on transcript NM_003235.5 (MANE Select); the canonical splice donor site of the intron after coding-DNA position 7572, T replaced by C.
Molecular consequence: splice donor variant. On other transcripts: intron variant (4).
Genome position (GRCh38, 1-based): chr8:133,096,375, T>C. VCF-style: chr8-133096375-T-C. GRCh37 (hg19) VCF-style: chr8-134108619-T-C.
Other names: c.-264+6178A>G (NM_001282965.2); c.11+6178A>G (NM_001282964.2, NM_001045557.3); c.-319+6178A>G (NM_001045556.3).
Identifiers: ClinVar variation 3618494 (VCV003618494.2).

ClinVar aggregate classification (germline): Likely pathogenic (1 of 4 stars; one submission).

gnomAD v4.1: 28 of 1,614,106 alleles (0.0017%); highest among the groups gnomAD compares: Non-Finnish European, 0.0024%; no homozygotes.

Submission:

Labcorp Genetics (formerly Invitae), Labcorp
Classification: Likely pathogenic. Last evaluated: 2024-02-11. Review status: criteria provided, single submitter. Criteria: Invitae Variant Classification Sherloc (09022015). Collection method: clinical testing. Allele origin: germline.
Comment: This sequence change affects a donor splice site in intron 43 of the TG gene. It is expected to disrupt RNA splicing. Variants that disrupt the donor or acceptor splice site typically lead to a loss of protein function (PMID: 16199547), and loss-of-function variants in TG are known to be pathogenic (PMID: 19837936, 23164529). This variant is not present in population databases (gnomAD no frequency). This variant has not been reported in the literature in individuals affected with TG-related conditions. Algorithms developed to predict the effect of sequence changes on RNA splicing suggest that this variant may disrupt the consensus splice site. In summary, the currently available evidence indicates that the variant is pathogenic, but additional data are needed to prove that conclusively. Therefore, this variant has been classified as Likely Pathogenic.

Literature cited by the submitters: PubMed 16199547; PubMed 19837936; PubMed 23164529.